The following is an entry in ClinVar:

NM_001166108.2(PALLD):c.1394G>A (p.Arg465His)

Gene: PALLD (palladin, cytoskeletal associated protein; plus strand). Cytogenetic location: 4q32.3.
Variant type: single nucleotide variant.
Coding change: c.1394G>A on transcript NM_001166108.2 (MANE Select); coding-DNA position 1394, G replaced by A.
Protein change: p.Arg465His; replaces arginine 465 with histidine.
Molecular consequence: missense variant.
Genome position (GRCh38, 1-based): chr4:168,690,661, G>A. VCF-style: chr4-168690661-G-A. GRCh37 (hg19) VCF-style: chr4-169611812-G-A.
Other names: p.R465H:CGT>CAT; c.248G>A, p.Arg83His (NM_001166109.2); c.1394G>A, p.Arg465His (NM_016081.4); short protein forms R465H, R83H.
Identifiers: ClinVar variation 128097 (VCV000128097.44), dbSNP rs115372194, ClinGen allele CA288346.

ClinVar aggregate classification (germline): Conflicting classifications of pathogenicity. Review status: criteria provided, conflicting classifications (1 of 4 stars). 5 submissions from 5 submitters: Uncertain significance (2); Benign (2). 1 of the submissions does not count toward it. Last evaluated 2025-03-01.

Conditions:
PALLD-related disorder. Also called: PALLD-related condition.
Pancreatic cancer, susceptibility to, 1. Identifiers: Orphanet 1333, MedGen C1847351, MONDO:0011739, OMIM 606856.

Allele frequency attached by ClinVar (database versions not stated): 1000 Genomes Project 30x 0.00062; 1000 Genomes Project 0.00080; gnomAD 0.00111; TOPMed 0.00147; ESP Exome Variant Server 0.00185.
gnomAD v4.1: 3,295 of 1,614,104 alleles (0.2%); highest among the groups gnomAD compares: Non-Finnish European, 0.25%; 3 homozygotes.

Submissions (5):

CeGaT Center for Human Genetics Tuebingen
Classification: Benign. Last evaluated: 2025-03-01. Review status: criteria provided, single submitter. Criteria: CeGaT Center For Human Genetics Tuebingen Variant Classification Criteria Version 2. Collection method: clinical testing. Allele origin: germline. Affected: yes. Observed: 2 variant alleles.
Comment: PALLD: BS1, BS2

Department of Pathology and Laboratory Medicine, Sinai Health System
Classification: Uncertain significance for Pancreatic cancer, susceptibility to, 1. Last evaluated: 2020-07-30. Review status: criteria provided, single submitter. Criteria: ACMG Guidelines, 2015. Collection method: research. Allele origin: germline.

Illumina Laboratory Services, Illumina
Classification: Benign for Pancreatic cancer, susceptibility to, 1. Last evaluated: 2018-01-13. Review status: criteria provided, single submitter. Criteria: ICSL Variant Classification Criteria 13 December 2019. Collection method: clinical testing. Allele origin: germline.
Comment: This variant was observed in the ICSL laboratory as part of a predisposition screen in an ostensibly healthy population. It had not been previously curated by ICSL or reported in the Human Gene Mutation Database (HGMD: prior to June 1st, 2018), and was therefore a candidate for classification through an automated scoring system. Utilizing variant allele frequency, disease prevalence and penetrance estimates, and inheritance mode, an automated score was calculated to assess if this variant is too frequent to cause the disease. Based on the score and internal cut-off values, a variant classified as benign is not then subjected to further curation. The score for this variant resulted in a classification of benign for this disease.

GeneDx
Classification: Uncertain significance. Last evaluated: 2014-02-06. Review status: criteria provided, single submitter. Criteria: GeneDx Variant Classification (06012015). Collection method: clinical testing. Allele origin: germline. Affected: yes.
Comment: PALLD has been only recently described in association with cancer predisposition and the risks are not well understood. This variant is denoted PALLD c.1394G>A at the cDNA level, p.Arg465His (R465H) at the protein level, and results in the change of an Arginine to a Histidine (CGT>CAT). This variant has not, to our knowledge, been published in the literature as pathogenic or benign. PALLD Arg465His was observed with an allele frequency of 0.3% (22/8600) in European Americans in the NHLBI Exome Sequencing Project. This variant is a conservative substitution of one positive polar amino acid for another, altering a position that is well conserved throughout evolution and is located in the Ig-like C2-type 2 domain. In silico analyses are inconsistent with regard to the effect this variant may have on protein structure and function. On a molecular level, the impact of this missense variant on protein structure and function is not known and thus we consider this to be a variant of uncertain significance. Furthermore, based on the currently available information, cancer risks associated with this variant, and the PALLD gene, remain unclear.

PreventionGenetics, part of Exact Sciences
Classification: Likely benign for PALLD-related condition. Last evaluated: 2020-10-20. Review status: no assertion criteria provided. Collection method: clinical testing. Allele origin: germline. Not counted in ClinVar's aggregate classification.
Comment: This variant is classified as likely benign based on ACMG/AMP sequence variant interpretation guidelines (Richards et al. 2015 PMID: 25741868, with internal and published modifications).